The following is an entry in ClinVar:

ClinVar aggregate classification (germline): Pathogenic (1 of 4 stars; one submission).

Conditions:
Hereditary cancer-predisposing syndrome. Also called: Hereditary Cancer Syndrome; Hereditary neoplastic syndrome; Neoplastic Syndromes, Hereditary; Tumor predisposition. Identifiers: Orphanet 140162, MedGen C0027672, MeSH D009386, MONDO:0015356.

Submission:

Ambry Genetics
Classification: Pathogenic for Hereditary cancer-predisposing syndrome. Last evaluated: 2018-02-22. Review status: criteria provided, single submitter. Criteria: Ambry Variant Classification Scheme 2023. Collection method: clinical testing. Allele origin: germline.
Comment: The c.472delG variant, located in coding exon 3 of the MSH6 gene, results from a deletion of one nucleotide at nucleotide position 472, causing a translational frameshift with a predicted alternate stop codon (p.E158Kfs*16). This alteration is expected to result in loss of function by premature protein truncation or nonsense-mediated mRNA decay. As such, this alteration is interpreted as a disease-causing mutation.

NM_000179.3(MSH6):c.472del (p.Glu158fs)

Gene: MSH6 (mutS homolog 6; plus strand). Cytogenetic location: 2p16.3.
Variant type: Deletion.
Coding change: c.472del on transcript NM_000179.3 (MANE Select); coding-DNA position 472, one base deleted (G; older notation c.472delG).
Protein change: p.Glu158fs; shifts the reading frame from glutamic acid 158.
Molecular consequence: frameshift variant. On other transcripts: 5 prime UTR variant (1), intron variant (2).
Genome position (GRCh38, 1-based): chr2:47,795,908, G deleted; the last of 2 consecutive G bases (chr2:47,795,907-47,795,908); deleting either gives the same sequence. VCF-style (leftmost placement, unchanged base first): chr2-47795906-AG-A. GRCh37 (hg19) VCF-style: chr2-48023045-AG-A.
Other names: c.-431del (NM_001281494.2); c.568delG, p.Glu190Lysfs (NM_001406795.1, NM_001406802.1); c.472delG, p.Glu158Lysfs (NM_001406796.1, NM_001406798.1, NM_001406800.1 and 5 more transcripts); c.175delG, p.Glu59Lysfs (NM_001406797.1, NM_001406801.1, NM_001406805.1 and 10 more transcripts); c.-54delG (NM_001406799.1, NM_001406806.1, NM_001406807.1); c.394delG, p.Glu132Lysfs (NM_001406804.1); c.478delG, p.Glu160Lysfs (NM_001406813.1); c.-523delG (NM_001406814.1); and 3 more; short protein forms E158fs.
Identifiers: ClinVar variation 1742711 (VCV001742711.2), dbSNP rs2530515681, ClinGen allele CA2580066956.